The following is an entry in ClinVar:

ClinVar aggregate classification (germline): Uncertain significance (1 of 4 stars; one submission).

Conditions:
Developmental and epileptic encephalopathy, 2 (DEE2). Also called: INFANTILE SPASM SYNDROME, X-LINKED 2; CDKL5 deficiency disorder. Identifiers: Orphanet 1934, Orphanet 3451, Orphanet 505652, MedGen C4750718, MONDO:0010396, OMIM 300672.

Allele frequency attached by ClinVar (database versions not stated): gnomAD exomes 0.00001.
gnomAD v4.1: 16 of 1,204,501 alleles (0.0013%); highest among the groups gnomAD compares: South Asian, 0.0035%; no homozygotes.

Submission:

Baylor Genetics
Classification: Uncertain significance for Developmental and epileptic encephalopathy, 2. Last evaluated: 2018-12-24. Review status: criteria provided, single submitter. Criteria: ACMG Guidelines, 2015. Collection method: clinical testing. Allele origin: maternal. Affected: yes.
Comment: This variant was determined to be of uncertain significance according to ACMG Guidelines, 2015 [PMID:25741868].

NM_001323289.2(CDKL5):c.743G>A (p.Arg248Gln)

Gene: CDKL5 (cyclin dependent kinase like 5; plus strand). Cytogenetic location: Xp22.13.
Variant type: single nucleotide variant.
Coding change: c.743G>A on transcript NM_001323289.2 (MANE Select); coding-DNA position 743, G replaced by A.
Protein change: p.Arg248Gln; replaces arginine 248 with glutamine.
Molecular consequence: missense variant.
Genome position (GRCh38, 1-based): chrX:18,588,142, G>A. VCF-style: chrX-18588142-G-A. GRCh37 (hg19) VCF-style: chrX-18606262-G-A.
Other names: c.743G>A, p.Arg248Gln (NM_001037343.2, NM_003159.3); short protein forms R248Q.
Identifiers: ClinVar variation 1033569 (VCV001033569.1), dbSNP rs1064795857, ClinGen allele CA412353673.